The following is an entry in ClinVar:

ClinVar aggregate classification (germline): Uncertain significance (1 of 4 stars; one submission).

Allele frequency attached by ClinVar (database versions not stated): gnomAD exomes 0.00003; TOPMed 0.00006; gnomAD 0.00007 and 0.00008; ExAC 0.00015.
gnomAD v4.1: 69 of 1,510,962 alleles (0.0046%); highest among the groups gnomAD compares: Non-Finnish European, 0.0052%; no homozygotes.

Submission:

Labcorp Genetics (formerly Invitae), Labcorp
Classification: Uncertain significance. Last evaluated: 2024-11-05. Review status: criteria provided, single submitter. Criteria: Invitae Variant Classification Sherloc (09022015). Collection method: clinical testing. Allele origin: germline.
Comment: This sequence change replaces alanine, which is neutral and non-polar, with threonine, which is neutral and polar, at codon 1027 of the PDZD7 protein (p.Ala1027Thr). This variant is present in population databases (rs770512804, gnomAD 0.005%). This variant has not been reported in the literature in individuals affected with PDZD7-related conditions. ClinVar contains an entry for this variant (Variation ID: 1011765). An algorithm developed to predict the effect of missense changes on protein structure and function outputs the following: PolyPhen-2: "Not Available". The threonine amino acid residue is found in multiple mammalian species, which suggests that this missense change does not adversely affect protein function. In summary, the available evidence is currently insufficient to determine the role of this variant in disease. Therefore, it has been classified as a Variant of Uncertain Significance.

NM_001195263.2(PDZD7):c.3079G>A (p.Ala1027Thr)

Gene: PDZD7 (PDZ domain containing 7; minus strand). Cytogenetic location: 10q24.31.
Variant type: single nucleotide variant.
Coding change: c.3079G>A on transcript NM_001195263.2 (MANE Select); coding-DNA position 3079, G replaced by A.
Protein change: p.Ala1027Thr; replaces alanine 1027 with threonine.
Molecular consequence: missense variant.
Genome position (GRCh38, 1-based): chr10:101,008,490, C>T on the plus strand (G>A on the coding strand, the complement: PDZD7 is on the minus strand). VCF-style: chr10-101008490-C-T. GRCh37 (hg19) VCF-style: chr10-102768247-C-T.
Other names: short protein forms A1027T.
Identifiers: ClinVar variation 1011765 (VCV001011765.7), dbSNP rs770512804, ClinGen allele CA5653925.